The following is an entry in ClinVar:

ClinVar aggregate classification (germline): Likely benign (1 of 4 stars; one submission).

gnomAD v4.1: 17 of 1,604,776 alleles (0.0011%); highest among the groups gnomAD compares: Non-Finnish European, 0.0014%; no homozygotes.

Submission:

CeGaT Center for Human Genetics Tuebingen
Classification: Likely benign. Last evaluated: 2025-04-01. Review status: criteria provided, single submitter. Criteria: CeGaT Center For Human Genetics Tuebingen Variant Classification Criteria Version 2. Collection method: clinical testing. Allele origin: germline. Affected: yes. Observed: 1 variant allele.
Comment: BLTP1: BP4, BP7

NM_001384125.1(BLTP1):c.11511C>G (p.Pro3837=)

Gene: BLTP1 (bridge-like lipid transfer protein family member 1; plus strand). Cytogenetic location: 4q27.
Variant type: single nucleotide variant.
Coding change: c.11511C>G on transcript NM_001384125.1 (MANE Select); coding-DNA position 11511, C replaced by G.
Protein change: p.Pro3837=; no amino-acid change (proline 3837 retained).
Molecular consequence: synonymous variant.
Genome position (GRCh38, 1-based): chr4:122,328,355, C>G. VCF-style: chr4-122328355-C-G. GRCh37 (hg19) VCF-style: chr4-123249510-C-G.
Other names: c.11247C>G, p.Pro3749= (NM_015312.4).
Identifiers: ClinVar variation 3898477 (VCV003898477.7).